The following is an entry in ClinVar:

NM_024529.5(CDC73):c.40C>T (p.Gln14Ter)

Gene: CDC73 (cell division cycle 73; plus strand). Cytogenetic location: 1q31.2.
Variant type: single nucleotide variant.
Coding change: c.40C>T on transcript NM_024529.5 (MANE Select); coding-DNA position 40, C replaced by T.
Protein change: p.Gln14Ter; replaces glutamine 14 with a stop codon.
Molecular consequence: nonsense.
Genome position (GRCh38, 1-based): chr1:193,122,240, C>T. VCF-style: chr1-193122240-C-T. GRCh37 (hg19) VCF-style: chr1-193091370-C-T.
Other names: short protein forms Q14*.
Identifiers: ClinVar variation 4746904 (VCV004746904.1).

ClinVar aggregate classification (germline): Pathogenic (1 of 4 stars; one submission).

Conditions:
Parathyroid carcinoma (PRTC). Also called: CDC73-Related Parathyroid Carcinoma; Parathyroid gland carcinoma. Identifiers: Orphanet 143, MedGen C0687150, MONDO:0012004, OMIM 608266, HP:0006780.

Submission:

Labcorp Genetics (formerly Invitae), Labcorp
Classification: Pathogenic for Parathyroid carcinoma. Last evaluated: 2026-01-25. Review status: criteria provided, single submitter. Criteria: Invitae Variant Classification Sherloc (09022015). Collection method: clinical testing. Allele origin: germline.
Comment: This sequence change creates a premature translational stop signal (p.Gln14*) in the CDC73 gene. It is expected to result in an absent or disrupted protein product. Loss-of-function variants in CDC73 are known to be pathogenic (PMID: 12434154). This variant is not present in population databases (gnomAD no frequency). This premature translational stop signal has been observed in individual(s) with CDC73-related conditions (PMID: 32590342, 37449924). For these reasons, this variant has been classified as Pathogenic.

Literature cited by the submitters: PubMed 12434154; PubMed 32590342; PubMed 37449924.